The following is an entry in ClinVar:

NM_024675.4(PALB2):c.3456dup (p.Pro1153fs)

Gene: PALB2 (partner and localizer of BRCA2; minus strand). Cytogenetic location: 16p12.2.
Variant type: Duplication.
Coding change: c.3456dup on transcript NM_024675.4 (MANE Select); coding-DNA position 3456, one base duplicated (A; older notation c.3456dupA).
Protein change: p.Pro1153fs; shifts the reading frame from proline 1153.
Molecular consequence: frameshift variant.
Genome position (GRCh38, 1-based): chr16:23,603,564, T duplicated on the plus strand (A on the coding strand, the reverse complement: PALB2 is on the minus strand). VCF-style (leftmost placement, unchanged base first): chr16-23603563-G-GT. GRCh37 (hg19) VCF-style: chr16-23614884-G-GT.
Other names: c.3456dupA (NM_024675.3, NM_024675.4); short protein forms P1153fs.
Identifiers: ClinVar variation 128142 (VCV000128142.88), dbSNP rs587776426, ClinGen allele CA288484.

ClinVar aggregate classification (germline): Pathogenic. Review status: criteria provided, multiple submitters, no conflicts (2 of 4 stars). 22 submissions from 22 submitters: Pathogenic (16). 6 of the submissions do not count toward it. Last evaluated 2026-05-28.

Conditions:
Breast-ovarian cancer, familial, susceptibility to, 5 (BROVCA5). Identifiers: MedGen C5830615, MONDO:0957530, OMIM 620442.
PALB2-related disorder. Also called: PALB2-related condition; PALB2-related disorders.
PALB2-related cancer predisposition. Identifiers: MedGen CN377761, MONDO:0700272.
Hereditary cancer-predisposing syndrome. Also called: Tumor predisposition; Hereditary neoplastic syndrome; Neoplastic Syndromes, Hereditary; Hereditary Cancer Syndrome. Identifiers: Orphanet 140162, MedGen C0027672, MeSH D009386, MONDO:0015356.
Fanconi anemia complementation group N. Also called: PALB2-Related Fanconi Anemia. Identifiers: Orphanet 84, MedGen C1835817, MONDO:0012565, OMIM 610832. Disease mechanism: loss of function.
Hereditary breast ovarian cancer syndrome. Also called: Hereditary breast and ovarian cancer syndrome (HBOC); Hereditary breast and ovarian cancer; Hereditary breast and ovarian cancer syndrome; Breast and ovarian cancer; Hereditary breast and/or ovarian cancer syndrome; BRCA1- and BRCA2-Associated Hereditary Breast and Ovarian Cancer. Identifiers: Orphanet 145, MedGen C0677776, MeSH D061325, MONDO:0003582. Disease mechanism: loss of function.
Breast-ovarian cancer, familial, susceptibility to, 1 (BROVCA1). Also called: BRCA1 Hereditary Breast and Ovarian Cancer; OVARIAN CANCER, SUSCEPTIBILITY TO. Identifiers: Orphanet 145, MedGen C2676676, MONDO:0011450, OMIM 604370. Disease mechanism: loss of function.
Familial cancer of breast. Also called: Hereditary breast cancer; hereditary breast carcinoma; BREAST CANCER, FAMILIAL. Identifiers: Orphanet 227535, MedGen C0346153, MONDO:0016419, OMIM 114480. Disease mechanism: loss of function.

Allele frequency attached by ClinVar (database versions not stated): gnomAD exomes 0.00001.

Submissions 1 to 10 of 22:

Institute of Human Genetics, University of Leipzig Medical Center
Classification: Pathogenic for Breast-ovarian cancer, familial, susceptibility to, 5. Last evaluated: 2026-05-28. Review status: criteria provided, single submitter. Criteria: ACMG Guidelines, 2015. Collection method: clinical testing. Allele origin: unknown. Affected: yes.
Comment: Criteria applied: PVS1,PM2_SUP,PM5_SUP

Labcorp Genetics (formerly Invitae), Labcorp
Classification: Pathogenic for Familial cancer of breast. Last evaluated: 2025-12-23. Review status: criteria provided, single submitter. Criteria: Invitae Variant Classification Sherloc (09022015). Collection method: clinical testing. Allele origin: germline.
Comment: This sequence change creates a premature translational stop signal (p.Pro1153Thrfs*4) in the PALB2 gene. While this is not anticipated to result in nonsense mediated decay, it is expected to disrupt the last 34 amino acid(s) of the PALB2 protein. This variant is not present in population databases (gnomAD no frequency). This premature translational stop signal has been observed in individual(s) with breast cancer (PMID: 25099575, 25452441, 26681312). ClinVar contains an entry for this variant (Variation ID: 128142). This variant disrupts a region of the PALB2 protein in which other variant(s) (p.Tyr1183*) have been determined to be pathogenic (PMID: 17200671; internal data). This suggests that this is a clinically significant region of the protein, and that variants that disrupt it are likely to be disease-causing. For these reasons, this variant has been classified as Pathogenic.

Women's Health and Genetics/Laboratory Corporation of America, LabCorp
Classification: Pathogenic for Hereditary breast ovarian cancer syndrome. Last evaluated: 2025-09-08. Review status: criteria provided, single submitter. Criteria: LabCorp Variant Classification Summary - May 2015. Collection method: clinical testing. Allele origin: germline.
Comment: Variant summary: PALB2 c.3456dupA (p.Pro1153ThrfsX4) results in a premature termination codon, predicted to cause a truncation of the encoded protein, although nonsense mediated decay is not predicted, pathogenic variants have been observed downstream. The variant was absent in 251474 control chromosomes. c.3456dupA has been observed in individual(s) affected with Hereditary Breast And Ovarian Cancer Syndrome (e.g. Antoniou_2014). To our knowledge, no experimental evidence demonstrating an impact on protein function has been reported. The following publication have been ascertained in the context of this evaluation (PMID: 25099575). ClinVar contains an entry for this variant (Variation ID: 128142). Based on the evidence outlined above, the variant was classified as pathogenic.

Dasa
Classification: Pathogenic for Breast-ovarian cancer, familial, susceptibility to, 5. Last evaluated: 2025-08-05. Review status: criteria provided, single submitter. Criteria: DASA Assertion Criteria. Collection method: clinical testing. Allele origin: germline.
Comment: NM_024675.4(PALB2):c.3456dup (p.Pro1153Thrfs*4) is a frameshift variant in PALB2 predicted to alter the reading frame and introduce a premature termination codon and is predicted to result in an absent or altered protein product. Loss of function is an established disease mechanism for PALB2 (PMID: 17200668; PMID: 25099575; PMID: 31841383). The affected residue or protein region has prior evidence supporting clinical relevance. Also, this variant is rare in population databases. Based on the currently available evidence, this variant is classified as pathogenic.

Institute of Immunology and Genetics Kaiserslautern
Classification: Pathogenic for Breast-ovarian cancer, familial, susceptibility to, 1. Last evaluated: 2025-07-30. Review status: criteria provided, single submitter. Criteria: ACMG Guidelines, 2015. Collection method: clinical testing. Allele origin: germline. Affected: yes.
Comment: ACMG Criteria: PVS1, PM2, PP5.

Ambry Genetics
Classification: Pathogenic for Hereditary cancer-predisposing syndrome. Last evaluated: 2025-01-10. Review status: criteria provided, single submitter. Criteria: Ambry Variant Classification Scheme 2023. Collection method: clinical testing. Allele origin: germline.
Comment: The c.3456dupA pathogenic mutation, located in coding exon 13 of the PALB2 gene, results from a duplication of A at nucleotide position 3456, causing a translational frameshift with a predicted alternate stop codon (p.P1153Tfs*4). This alteration occurs at the 3' terminus of the PALB2 gene, is not expected to trigger nonsense-mediated mRNA decay, and impacts the last 3% of the protein. However, premature stop codons are typically deleterious in nature and the impacted region is critical for protein function (Ambry internal data). This pathogenic mutation has been identified in multiple individuals with a personal history of breast cancer and a family history of breast and/or ovarian cancer (Couch FJ et al. J. Clin. Oncol. 2015 Feb;33(4):304-11; Tung N et al. Cancer 2015 Jan;121(1):25-33; Susswein LR et al. Genet. Med. 2016 Aug;18:823-32; Schoolmeester JK et al. Hum. Pathol. 2017 Jul;70:14-26; Dudley B et al. Cancer. 2018 Apr;124(8):1691-1700). This variant is considered to be rare based on population cohorts in the Genome Aggregation Database (gnomAD). Based on the supporting evidence, this variant is interpreted as a disease-causing mutation.

Baylor Genetics
Classification: Pathogenic for Familial cancer of breast. Last evaluated: 2024-01-13. Review status: criteria provided, single submitter. Criteria: ACMG Guidelines, 2015. Collection method: clinical testing. Allele origin: unknown.

Equipe Genetique des Anomalies du Developpement, Université de Bourgogne
Classification: Pathogenic for Familial cancer of breast. Last evaluated: 2023-10-11. Review status: criteria provided, single submitter. Criteria: ACMG Guidelines, 2015. Collection method: clinical testing. Allele origin: maternal. Affected: yes.

Clinical Genomics Laboratory, Washington University in St. Louis
Classification: Pathogenic for Hereditary breast ovarian cancer syndrome. Last evaluated: 2023-08-29. Review status: criteria provided, single submitter. Criteria: ACMG Guidelines, 2015. Collection method: clinical testing. Allele origin: germline.
Comment: The PALB2 c.3456dup (p.Pro1153fs) variant has been reported in the medical literature in individuals with breast cancer (Antoniou A et al., PMID: 25099575; Couch F et al., PMID: 25452441; Susswein L et al., PMID: 26681312). This variant causes a frameshift by insertion of one nucleotide leading to premature termination. This frameshift occurs in the last exon and is not predicted to lead to nonsense mediated decay, although it disrupts the last 34 amino acids of PALB2, which are suggested to be necessary for protein function (Quinodoz M et al., PMID: 35120630). This variant is absent from the general population (gnomAD v.2.1.1), indicating it is not a common variant. This variant has been submitted to ClinVar as pathogenic by 11 laboratories (variation ID: 128142). Based on available information, and based on ACMG/AMP guidelines for variant interpretation (Richards S et al., PMID: 25741868), this variant is classified as pathogenic.

GeneDx
Classification: Pathogenic. Last evaluated: 2023-08-16. Review status: criteria provided, single submitter. Criteria: GeneDx Variant Classification Process June 2021. Collection method: clinical testing. Allele origin: germline. Affected: yes.
Comment: Frameshift variant predicted to result in protein truncation in a gene for which loss-of-function is a known mechanism of disease; Not observed at significant frequency in large population cohorts (gnomAD); Observed in individuals with a personal or family history consistent with pathogenic variants in this gene (Antoniou et al., 2014; Couch et al., 2015; Tung et al., 2015; Schoolmeester et al., 2017; Dudley et al., 2018); Truncating variants in this gene are considered pathogenic by a well-established clinical consortium and/or database; This variant is associated with the following publications: (PMID: 26681312, 29922827, 25099575, 25452441, 28709830, 29360161, 25186627, 34326862)